The following is an entry in ClinVar:

NM_001022.4(RPS19):c.72-9T>A

Genes: RPS19 (ribosomal protein S19; plus strand), RPS19-CD79A (RPS19-CD79A readthrough; plus strand). Cytogenetic location: 19q13.2.
Variant type: single nucleotide variant.
Coding change: c.72-9T>A on transcript NM_001022.4 (MANE Select); 9 bases into the intron before coding-DNA position 72, T replaced by A.
Molecular consequence: intron variant.
Genome position (GRCh38, 1-based): chr19:41,861,103, T>A. VCF-style: chr19-41861103-T-A. GRCh37 (hg19) VCF-style: chr19-42365172-T-A.
Other names: c.72-9T>A (NM_001321484.2, NM_001321485.2, NM_001321483.2).
Identifiers: ClinVar variation 1758166 (VCV001758166.2), dbSNP rs2513667055, ClinGen allele CA2580097309.
Genomic context (GRCh38, chr19:41,861,103, plus strand): 5'-GGGCATTTGGGATATGGGGTAGTTTGTGGAGATGACTGAATCGTGCTTTTCCCACTGTTT[T>A]GGTCTTAGGTCCGGGAAGCTGAAAGTCCCCGAATGGGTGGATACCGTCAAGCTGGCCAAG-3'

ClinVar aggregate classification (germline): Uncertain significance (1 of 4 stars; one submission).

Conditions:
Diamond-Blackfan anemia. Also called: Blackfan Diamond syndrome; Aregenerative anemia chronic congenital; Red cell aplasia, pure hereditary; Congenital hypoplastic anemia; Aase syndrome. Identifiers: Orphanet 124, MedGen C1260899, MeSH D029503, MONDO:0015253, HP:0004810.

Submission:

Ambry Genetics
Classification: Uncertain significance for Diamond-Blackfan anemia. Last evaluated: 2014-08-20. Review status: criteria provided, single submitter. Criteria: Ambry Variant Classification Scheme 2023. Collection method: clinical testing. Allele origin: germline.
Comment: The c.72-9T>A intronic variant results from a T to A substitution 9 nucleotides upstream from coding exon 2 in the RPS19 gene. This variant was not reported in population based cohorts in the following databases: Database of Single Nucleotide Polymorphisms (dbSNP), NHLBI Exome Sequencing Project (ESP), and 1000 Genomes Project. In the ESP, this variant was not observed in 6503 samples (13006 alleles) with coverage at this position. This nucleotide position is not well conserved in available vertebrate species on limited alignment. This alteration is predicted by the ESEfinder splice site tool to create a new alternate splice donor splice site. However, a different splice site prediction tool, BDGP, does not predict the creation of a non-native donor site, nor a deleterious effect on splicing and direct evidence is unavailable. Since supporting evidence is limited at this time, the clinical significance of this variant remains unclear.